The following is an entry in ClinVar:

NM_000051.4(ATM):c.1356A>G (p.Thr452=)

Gene: ATM (ATM serine/threonine kinase; plus strand). Cytogenetic location: 11q22.3.
Variant type: single nucleotide variant.
Coding change: c.1356A>G on transcript NM_000051.4 (MANE Select); coding-DNA position 1356, A replaced by G.
Protein change: p.Thr452=; no amino-acid change (threonine 452 retained).
Molecular consequence: synonymous variant.
Genome position (GRCh38, 1-based): chr11:108,250,821, A>G. VCF-style: chr11-108250821-A-G. GRCh37 (hg19) VCF-style: chr11-108121548-A-G.
Other names: c.1356A>G, p.Thr452= (NM_001351834.2).
Identifiers: ClinVar variation 478976 (VCV000478976.15), dbSNP rs1555070803, ClinGen allele CA476671941.

ClinVar aggregate classification (germline): Likely benign. Review status: criteria provided, multiple submitters, no conflicts (2 of 4 stars). 3 submissions from 3 submitters: Likely benign (3). Last evaluated 2022-10-05.

Conditions:
Hereditary cancer-predisposing syndrome. Also called: Tumor predisposition; Neoplastic Syndromes, Hereditary; Hereditary Cancer Syndrome; Hereditary neoplastic syndrome. Identifiers: Orphanet 140162, MedGen C0027672, MeSH D009386, MONDO:0015356.
Ataxia-telangiectasia syndrome (AT). Also called: Cerebello-oculocutaneous telangiectasia; Immunodeficiency with ataxia telangiectasia; ATAXIA-TELANGIECTASIA, COMPLEMENTATION GROUP A; Ataxia-telangiectasia, complementation group D; AT, COMPLEMENTATION GROUP C; ATAXIA-TELANGIECTASIA, FRESNO VARIANT. Identifiers: Orphanet 100, MedGen C0004135, MONDO:0008840, OMIM 208900.

Submissions (3):

Labcorp Genetics (formerly Invitae), Labcorp
Classification: Likely benign for Ataxia-telangiectasia syndrome. Last evaluated: 2022-10-05. Review status: criteria provided, single submitter. Criteria: Invitae Variant Classification Sherloc (09022015). Collection method: clinical testing. Allele origin: germline.

GeneDx
Classification: Likely benign. Last evaluated: 2018-09-05. Review status: criteria provided, single submitter. Criteria: GeneDx Variant Classification Process June 2021. Collection method: clinical testing. Allele origin: germline. Affected: yes.
Comment: This variant is associated with the following publications: (PMID: 30287823)

Ambry Genetics
Classification: Likely benign for Hereditary cancer-predisposing syndrome. Last evaluated: 2016-04-15. Review status: criteria provided, single submitter. Criteria: Ambry Variant Classification Scheme 2023. Collection method: clinical testing. Allele origin: germline.